The following is an entry in ClinVar:

NM_152475.3(ZNF417):c.82G>T (p.Glu28Ter)

Gene: ZNF417 (zinc finger protein 417; minus strand). Cytogenetic location: 19q13.43.
Variant type: single nucleotide variant.
Coding change: c.82G>T on transcript NM_152475.3 (MANE Select); coding-DNA position 82, G replaced by T.
Protein change: p.Glu28Ter; replaces glutamic acid 28 with a stop codon.
Molecular consequence: nonsense.
Genome position (GRCh38, 1-based): chr19:57,912,141, C>A on the plus strand (G>T on the coding strand, the complement: ZNF417 is on the minus strand). VCF-style: chr19-57912141-C-A. GRCh37 (hg19) VCF-style: chr19-58423509-C-A.
Other names: c.79G>T, p.Glu27Ter (NM_001297734.2); short protein forms E27*, E28*.
Identifiers: ClinVar variation 3777897 (VCV003777897.7).

ClinVar aggregate classification (germline): Likely benign (1 of 4 stars; one submission).

gnomAD v4.1: 5,897 of 1,612,734 alleles (0.37%); highest among the groups gnomAD compares: Non-Finnish European, 0.46%; 15 homozygotes.

Submission:

CeGaT Center for Human Genetics Tuebingen
Classification: Likely benign. Last evaluated: 2025-02-01. Review status: criteria provided, single submitter. Criteria: CeGaT Center For Human Genetics Tuebingen Variant Classification Criteria Version 2. Collection method: clinical testing. Allele origin: germline. Affected: yes. Observed: 1 variant allele.
Comment: ZNF417: BS2